The following is an entry in ClinVar:

NM_001292063.2(OTOG):c.882C>G (p.Asp294Glu)

Gene: OTOG (otogelin; plus strand). Cytogenetic location: 11p15.1.
Variant type: single nucleotide variant.
Coding change: c.882C>G on transcript NM_001292063.2 (MANE Select); coding-DNA position 882, C replaced by G.
Protein change: p.Asp294Glu; replaces aspartic acid 294 with glutamic acid.
Molecular consequence: missense variant.
Genome position (GRCh38, 1-based): chr11:17,558,201, C>G. VCF-style: chr11-17558201-C-G. GRCh37 (hg19) VCF-style: chr11-17579748-C-G.
Other names: c.918C>G, p.Asp306Glu (NM_001277269.2); short protein forms D294E, D306E.
Identifiers: ClinVar variation 1065102 (VCV001065102.3), dbSNP rs553788179, ClinGen allele CA379814295.
Genomic context (GRCh38, chr11:17,558,201, plus strand): 5'-CAACCCCATCGCTGCCCCATCATGATGTCAGCTCCCTCCTCCAGGGAAGCTGACTGACGA[C>G]GTGGTTGAGTTTGTGCACAGCTGGCAGGAGCAGGCCCCTAACCAGCCTCCAGGGCCCACA-3'
Protein context (NP_001278992.1, residues 284-304): LVTSSGKLTD[Asp294Glu]VVEFVHSWQE

ClinVar aggregate classification (germline): Uncertain significance (1 of 4 stars; one submission).

Conditions:
Hearing impairment. Also called: Impaired Hearing. Identifiers: MedGen C1384666, MONDO:0005365, HP:0000365.

gnomAD v4.1: 2 of 1,550,544 alleles (0.00013%); highest among the groups gnomAD compares: Admixed American, 0.002%; no homozygotes.

Submission:

Department of Otolaryngology – Head & Neck Surgery, Cochlear Implant Center
Classification: Uncertain significance for Hearing impairment. Last evaluated: 2021-04-12. Review status: criteria provided, single submitter. Criteria: ClinGen HL ACMG Specifications v1. Collection method: clinical testing. Allele origin: germline. Affected: yes.
Comment: PM2_Moderate, BP4_Supporting